The following is an entry in ClinVar:

NM_017780.4(CHD7):c.4541T>G (p.Phe1514Cys)

Gene: CHD7 (chromodomain helicase DNA binding protein 7; plus strand). Cytogenetic location: 8q12.2.
Variant type: single nucleotide variant.
Coding change: c.4541T>G on transcript NM_017780.4 (MANE Select); coding-DNA position 4541, T replaced by G.
Protein change: p.Phe1514Cys; replaces phenylalanine 1514 with cysteine.
Molecular consequence: missense variant. On other transcripts: intron variant (1).
Genome position (GRCh38, 1-based): chr8:60,841,651, T>G. VCF-style: chr8-60841651-T-G. GRCh37 (hg19) VCF-style: chr8-61754210-T-G.
Other names: c.1717-20578T>G (NM_001316690.1); c.4541T>G (NM_017780.2); short protein forms F1514C.
Identifiers: ClinVar variation 459548 (VCV000459548.9), dbSNP rs1554601592, ClinGen allele CA371318489.

ClinVar aggregate classification (germline): Uncertain significance. Review status: criteria provided, multiple submitters, no conflicts (2 of 4 stars). 2 submissions from 2 submitters: Uncertain significance (2). Last evaluated 2023-01-13.

Conditions:
CHARGE syndrome (CHARGE). Also called: Hittner Hirsch Kreh syndrome; CHARGE ASSOCIATION--COLOBOMA, HEART ANOMALY, CHOANAL ATRESIA, RETARDATION, GENITAL AND EAR ANOMALIES; Coloboma, heart anomaly, choanal atresia, retardation, genital and ear anomalies; CHARGE association; Hall-Hittner syndrome. Identifiers: Orphanet 138, MedGen C0265354, MONDO:0008965.

Submissions (2):

GeneDx
Classification: Uncertain significance. Last evaluated: 2023-01-13. Review status: criteria provided, single submitter. Criteria: GeneDx Variant Classification Process June 2021. Collection method: clinical testing. Allele origin: germline. Affected: yes.
Comment: Reported in published literature in brothers with dextro-transposition of the great arteries, who also harbor variants in other genes (Kurtz et al., 2018); Not observed at significant frequency in large population cohorts (gnomAD); In silico analysis supports that this missense variant has a deleterious effect on protein structure/function; This variant is associated with the following publications: (PMID: 29848184)

Labcorp Genetics (formerly Invitae), Labcorp
Classification: Uncertain significance for CHARGE syndrome. Last evaluated: 2017-05-03. Review status: criteria provided, single submitter. Criteria: Invitae Variant Classification Sherloc (09022015). Collection method: clinical testing. Allele origin: germline.
Comment: This sequence change replaces phenylalanine with cysteine at codon 1514 of the CHD7 protein (p.Phe1514Cys). The phenylalanine residue is highly conserved and there is a large physicochemical difference between phenylalanine and cysteine. This variant is not present in population databases (ExAC no frequency) and has not been reported in the literature in individuals with a CHD7-related disease. Algorithms developed to predict the effect of missense changes on protein structure and function (SIFT, PolyPhen-2, Align-GVGD) all suggest that this variant is likely to be disruptive, but these predictions have not been confirmed by published functional studies. In summary, this variant is a novel missense change with uncertain impact on protein function. It has been classified as a Variant of Uncertain Significance.